The following is an entry in ClinVar:

ClinVar aggregate classification (germline): Uncertain significance (1 of 4 stars; one submission).

gnomAD v4.1: 7 of 1,610,948 alleles (0.00043%); highest among the groups gnomAD compares: Admixed American, 0.0017%; no homozygotes.

Submission:

Labcorp Genetics (formerly Invitae), Labcorp
Classification: Uncertain significance. Last evaluated: 2024-04-09. Review status: criteria provided, single submitter. Criteria: Invitae Variant Classification Sherloc (09022015). Collection method: clinical testing. Allele origin: germline.
Comment: This sequence change replaces glutamine, which is neutral and polar, with lysine, which is basic and polar, at codon 308 of the EDNRB protein (p.Gln308Lys). This variant is present in population databases (rs199558894, gnomAD 0.003%). This variant has not been reported in the literature in individuals affected with EDNRB-related conditions. An algorithm developed to predict the effect of missense changes on protein structure and function (PolyPhen-2) suggests that this variant is likely to be tolerated. In summary, the available evidence is currently insufficient to determine the role of this variant in disease. Therefore, it has been classified as a Variant of Uncertain Significance.

NM_001122659.3(EDNRB):c.922C>A (p.Gln308Lys)

Genes: EDNRB (endothelin receptor type B; minus strand), EDNRB-AS1 (EDNRB antisense RNA 1; plus strand). Cytogenetic location: 13q22.3.
Variant type: single nucleotide variant.
Coding change: c.922C>A on transcript NM_001122659.3 (MANE Select); coding-DNA position 922, C replaced by A.
Protein change: p.Gln308Lys; replaces glutamine 308 with lysine.
Molecular consequence: missense variant.
Genome position (GRCh38, 1-based): chr13:77,901,087, G>T on the plus strand (C>A on the coding strand, the complement: EDNRB is on the minus strand). VCF-style: chr13-77901087-G-T. GRCh37 (hg19) VCF-style: chr13-78475222-G-T.
Other names: c.1192C>A, p.Gln398Lys (NM_001201397.2); c.922C>A, p.Gln308Lys (NM_003991.4, NM_000115.5); short protein forms Q398K, Q308K.
Identifiers: ClinVar variation 3690978 (VCV003690978.2).